The following is an entry in ClinVar:

ClinVar aggregate classification (germline): Uncertain significance (1 of 4 stars; one submission).

Conditions:
Hereditary cancer-predisposing syndrome. Also called: Neoplastic Syndromes, Hereditary; Tumor predisposition; Hereditary neoplastic syndrome; Hereditary Cancer Syndrome. Identifiers: Orphanet 140162, MedGen C0027672, MeSH D009386, MONDO:0015356.

Allele frequency attached by ClinVar (database versions not stated): gnomAD exomes below 0.00001.
gnomAD v4.1: 1 of 1,613,908 alleles (0.000062%); highest among the groups gnomAD compares: Non-Finnish European, 0.000085%; no homozygotes.

Submission:

Ambry Genetics
Classification: Uncertain significance for Hereditary cancer-predisposing syndrome. Last evaluated: 2024-03-06. Review status: criteria provided, single submitter. Criteria: Ambry Variant Classification Scheme 2023. Collection method: clinical testing. Allele origin: germline.
Comment: The p.K795E variant (also known as c.2383A>G), located in coding exon 21 of the POLE gene, results from an A to G substitution at nucleotide position 2383. The lysine at codon 795 is replaced by glutamic acid, an amino acid with similar properties. This amino acid position is conserved. In addition, this alteration is predicted to be tolerated by in silico analysis. Based on the available evidence, the clinical significance of this alteration remains unclear.

NM_006231.4(POLE):c.2383A>G (p.Lys795Glu)

Gene: POLE (DNA polymerase epsilon, catalytic subunit; minus strand). Cytogenetic location: 12q24.33.
Variant type: single nucleotide variant.
Coding change: c.2383A>G on transcript NM_006231.4 (MANE Select); coding-DNA position 2383, A replaced by G.
Protein change: p.Lys795Glu; replaces lysine 795 with glutamic acid.
Molecular consequence: missense variant.
Genome position (GRCh38, 1-based): chr12:132,665,387, T>C on the plus strand (A>G on the coding strand, the complement: POLE is on the minus strand). VCF-style: chr12-132665387-T-C. GRCh37 (hg19) VCF-style: chr12-133241973-T-C.
Other names: short protein forms K795E.
Identifiers: ClinVar variation 3225416 (VCV003225416.1), dbSNP rs2542074410, ClinGen allele CA387397483.